The following is an entry in ClinVar:

ClinVar aggregate classification (germline): Uncertain significance (1 of 4 stars; one submission).

Conditions:
Pigmentary pallidal degeneration (NBIA1). Also called: PKAN NEUROAXONAL DYSTROPHY, JUVENILE-ONSET; HARP SYNDROME; Pantothenate Kinase-Associated Neurodegeneration; Neuroaxonal dystrophy, late infantile; Hallervorden-Spatz disease; Neurodegeneration with brain iron accumulation 1. Identifiers: Orphanet 157850, MedGen C0018523, MONDO:0009319, OMIM 234200.

Allele frequency attached by ClinVar (database versions not stated): gnomAD 0.00001; TOPMed 0.00001.
gnomAD v4.1: 2 of 1,614,024 alleles (0.00012%); highest among the groups gnomAD compares: East Asian, 0.0022%; no homozygotes.

Submission:

Labcorp Genetics (formerly Invitae), Labcorp
Classification: Uncertain significance for Pigmentary pallidal degeneration. Last evaluated: 2022-07-19. Review status: criteria provided, single submitter. Criteria: Invitae Variant Classification Sherloc (09022015). Collection method: clinical testing. Allele origin: germline.
Comment: In summary, the available evidence is currently insufficient to determine the role of this variant in disease. Therefore, it has been classified as a Variant of Uncertain Significance. Algorithms developed to predict the effect of missense changes on protein structure and function output the following: SIFT: "Tolerated"; PolyPhen-2: "Benign"; Align-GVGD: "Class C0". The cysteine amino acid residue is found in multiple mammalian species, which suggests that this missense change does not adversely affect protein function. This variant has not been reported in the literature in individuals affected with PANK2-related conditions. This variant is present in population databases (no rsID available, gnomAD 0.06%). This sequence change replaces serine, which is neutral and polar, with cysteine, which is neutral and slightly polar, at codon 369 of the PANK2 protein (p.Ser369Cys).

NM_001386393.1(PANK2):c.776C>G (p.Ser259Cys)

Gene: PANK2 (pantothenate kinase 2; plus strand). Cytogenetic location: 20p13.
Variant type: single nucleotide variant.
Coding change: c.776C>G on transcript NM_001386393.1 (MANE Select); coding-DNA position 776, C replaced by G.
Protein change: p.Ser259Cys; replaces serine 259 with cysteine.
Molecular consequence: missense variant. On other transcripts: 5 prime UTR variant (1), non-coding transcript variant (1).
Genome position (GRCh38, 1-based): chr20:3,910,701, C>G. VCF-style: chr20-3910701-C-G. GRCh37 (hg19) VCF-style: chr20-3891348-C-G.
Other names: c.233C>G, p.Ser78Cys (NM_001324191.2, NM_024960.6, NM_153640.4); c.-203C>G (NM_001324193.2); c.1106C>G, p.Ser369Cys (NM_153638.4); short protein forms S369C, S259C, S78C.
Identifiers: ClinVar variation 2038312 (VCV002038312.4), dbSNP rs1002956783, ClinGen allele CA311035086.